The following is an entry in ClinVar:

ClinVar aggregate classification (germline): Pathogenic/Likely pathogenic. Review status: criteria provided, multiple submitters, no conflicts (2 of 4 stars). 2 submissions from 2 submitters: Pathogenic (1); Likely pathogenic (1). Last evaluated 2024-01-20.

Conditions:
Fanconi anemia (FA). Also called: Fanconi's anemia. Identifiers: Orphanet 84, MedGen C0015625, MeSH D005199, MONDO:0019391.
Fanconi anemia complementation group C (FANCC). Also called: FANCONI PANCYTOPENIA, TYPE 3; FACC; FANCC-Related Fanconi Anemia; Fanconi anemia, group C. Identifiers: Orphanet 84, MedGen C3468041, MONDO:0009213, OMIM 227645.

Submissions (2):

Baylor Genetics
Classification: Likely pathogenic for Fanconi anemia complementation group C. Last evaluated: 2024-01-20. Review status: criteria provided, single submitter. Criteria: ACMG Guidelines, 2015. Collection method: clinical testing. Allele origin: unknown.

Labcorp Genetics (formerly Invitae), Labcorp
Classification: Pathogenic for Fanconi anemia. Last evaluated: 2016-07-01. Review status: criteria provided, single submitter. Criteria: Invitae Variant Classification Sherloc (09022015). Collection method: clinical testing. Allele origin: germline.
Comment: For these reasons, this variant has been classified as Pathogenic. While this particular variant has not been reported in the literature, truncating variants in FANCC are known to be pathogenic (PMID: 17924555). This sequence change inserts 1 nucleotide in exon 6 of the FANCC mRNA (c.485dupG), causing a frameshift at codon 163. This creates a premature translational stop signal (p.Glu163Argfs*5) and is expected to result in an absent or disrupted protein product.

Literature cited by the submitters: PubMed 17924555 (cited by Labcorp Genetics (formerly Invitae), Labcorp).

NM_000136.3(FANCC):c.485dup (p.Glu163fs)

Gene: FANCC (FA complementation group C; minus strand). Cytogenetic location: 9q22.32.
Variant type: Duplication.
Coding change: c.485dup on transcript NM_000136.3 (MANE Select); coding-DNA position 485, one base duplicated (G; older notation c.485dupG).
Protein change: p.Glu163fs; shifts the reading frame from glutamic acid 163.
Molecular consequence: frameshift variant.
Genome position (GRCh38, 1-based): chr9:95,171,115, C duplicated on the plus strand (G on the coding strand, the reverse complement: FANCC is on the minus strand). VCF-style (leftmost placement, unchanged base first): chr9-95171114-T-TC. GRCh37 (hg19) VCF-style: chr9-97933396-T-TC.
Other names: c.485dup, p.Glu163fs (NM_001243743.2, NM_001243744.2); short protein forms E163fs.
Identifiers: ClinVar variation 409663 (VCV000409663.7), dbSNP rs1554842611, ClinGen allele CA16612895.
Genomic context (GRCh38, chr9:95,171,114, plus strand): 5'-GAAGGATGTTTAGTTTAACACCTACCGCCTTTGAGTGTTAAATCCATTAAGATGATTCTC[T>TC]CTGAGTTCAGACGCTAATGATAAAACCATCTGTAAAACAAAATCAGTTGCAGGTTAACTC-3'